The following is an entry in ClinVar:

ClinVar aggregate classification (germline): Uncertain significance (1 of 4 stars; one submission).

Conditions:
MEGF10-related myopathy (CMYO10A). Also called: Congenital myopathy 10A, severe variant. Identifiers: Orphanet 439212, MedGen C3280679, MONDO:0013731, OMIM 614399.

Submission:

Labcorp Genetics (formerly Invitae), Labcorp
Classification: Uncertain significance for MEGF10-related myopathy. Last evaluated: 2021-09-06. Review status: criteria provided, single submitter. Criteria: Invitae Variant Classification Sherloc (09022015). Collection method: clinical testing. Allele origin: germline.
Comment: This variant is not present in population databases (ExAC no frequency). This variant has not been reported in the literature in individuals affected with MEGF10-related conditions. Algorithms developed to predict the effect of missense changes on protein structure and function (SIFT, PolyPhen-2, Align-GVGD) all suggest that this variant is likely to be disruptive. In summary, the available evidence is currently insufficient to determine the role of this variant in disease. Therefore, it has been classified as a Variant of Uncertain Significance. This sequence change replaces glycine with glutamic acid at codon 636 of the MEGF10 protein (p.Gly636Glu). The glycine residue is highly conserved and there is a moderate physicochemical difference between glycine and glutamic acid.

NM_001256545.2(MEGF10):c.1907G>A (p.Gly636Glu)

Gene: MEGF10 (multiple EGF like domains 10; plus strand). Cytogenetic location: 5q23.2.
Variant type: single nucleotide variant.
Coding change: c.1907G>A on transcript NM_001256545.2 (MANE Select); coding-DNA position 1907, G replaced by A.
Protein change: p.Gly636Glu; replaces glycine 636 with glutamic acid.
Molecular consequence: missense variant.
Genome position (GRCh38, 1-based): chr5:127,434,753, G>A. VCF-style: chr5-127434753-G-A. GRCh37 (hg19) VCF-style: chr5-126770445-G-A.
Other names: c.1907G>A, p.Gly636Glu (NM_032446.3); short protein forms G636E.
Identifiers: ClinVar variation 1379907 (VCV001379907.6), dbSNP rs1765500413, ClinGen allele CA360732298.